The following is an entry in ClinVar:

NM_000426.4(LAMA2):c.7265G>A (p.Trp2422Ter)

Gene: LAMA2 (laminin subunit alpha 2; plus strand). Cytogenetic location: 6q22.33.
Variant type: single nucleotide variant.
Coding change: c.7265G>A on transcript NM_000426.4 (MANE Select); coding-DNA position 7265, G replaced by A.
Protein change: p.Trp2422Ter; replaces tryptophan 2422 with a stop codon.
Molecular consequence: nonsense.
Genome position (GRCh38, 1-based): chr6:129,465,254, G>A. VCF-style: chr6-129465254-G-A. GRCh37 (hg19) VCF-style: chr6-129786399-G-A.
Other names: c.7265G>A, p.Trp2422Ter (NM_001079823.2); short protein forms W2422*.
Identifiers: ClinVar variation 2099320 (VCV002099320.4), dbSNP rs2533443750, ClinGen allele CA365622092.

ClinVar aggregate classification (germline): Pathogenic (1 of 4 stars; one submission).

Conditions:
LAMA2-related muscular dystrophy (LAMA2-RD). Also called: Laminin alpha 2-related dystrophy. Identifiers: MedGen C5679788, MONDO:0100228.

Allele frequency attached by ClinVar (database versions not stated): gnomAD exomes below 0.00001.
gnomAD v4.1: 1 of 1,611,512 alleles (0.000062%); highest among the groups gnomAD compares: South Asian, 0.0011%; no homozygotes.

Submission:

Labcorp Genetics (formerly Invitae), Labcorp
Classification: Pathogenic for LAMA2-related muscular dystrophy. Last evaluated: 2022-03-03. Review status: criteria provided, single submitter. Criteria: Invitae Variant Classification Sherloc (09022015). Collection method: clinical testing. Allele origin: germline.
Comment: For these reasons, this variant has been classified as Pathogenic. Algorithms developed to predict the effect of sequence changes on RNA splicing suggest that this variant may disrupt the consensus splice site. This variant has not been reported in the literature in individuals affected with LAMA2-related conditions. This variant is not present in population databases (gnomAD no frequency). This sequence change creates a premature translational stop signal (p.Trp2422*) in the LAMA2 gene. It is expected to result in an absent or disrupted protein product. Loss-of-function variants in LAMA2 are known to be pathogenic (PMID: 18700894, 32904964).

Literature cited by the submitters: PubMed 18700894; PubMed 32904964.